The following is an entry in ClinVar:

NM_020759.3(STARD9):c.9192C>T (p.Asp3064=)

Gene: STARD9 (StAR related lipid transfer domain containing 9; plus strand). Cytogenetic location: 15q15.2.
Variant type: single nucleotide variant.
Coding change: c.9192C>T on transcript NM_020759.3 (MANE Select); coding-DNA position 9192, C replaced by T.
Protein change: p.Asp3064=; no amino-acid change (aspartic acid 3064 retained).
Molecular consequence: synonymous variant.
Genome position (GRCh38, 1-based): chr15:42,690,770, C>T. VCF-style: chr15-42690770-C-T. GRCh37 (hg19) VCF-style: chr15-42982968-C-T.
Identifiers: ClinVar variation 3045612 (VCV003045612.2), dbSNP rs905471495, ClinGen allele CA490008034.

ClinVar aggregate classification (germline): Likely benign (0 of 4 stars; one submission).

Conditions:
STARD9-related disorder. Also called: STARD9-related condition.

Allele frequency attached by ClinVar (database versions not stated): gnomAD 0.00003.
gnomAD v4.1: 24 of 1,537,262 alleles (0.0016%); highest among the groups gnomAD compares: Admixed American, 0.025%; no homozygotes.

Submission:

PreventionGenetics, part of Exact Sciences
Classification: Likely benign for STARD9-related condition. Last evaluated: 2019-10-08. Review status: no assertion criteria provided. Collection method: clinical testing. Allele origin: germline.
Comment: This variant is classified as likely benign based on ACMG/AMP sequence variant interpretation guidelines (Richards et al. 2015 PMID: 25741868, with internal and published modifications).